The following is an entry in ClinVar:

NM_000065.5(C6):c.2689T>G (p.Cys897Gly)

Gene: C6 (complement C6; minus strand). Cytogenetic location: 5p13.1.
Variant type: single nucleotide variant.
Coding change: c.2689T>G on transcript NM_000065.5 (MANE Select); coding-DNA position 2689, T replaced by G.
Protein change: p.Cys897Gly; replaces cysteine 897 with glycine.
Molecular consequence: missense variant.
Genome position (GRCh38, 1-based): chr5:41,142,941, A>C on the plus strand (T>G on the coding strand, the complement: C6 is on the minus strand). VCF-style: chr5-41142941-A-C. GRCh37 (hg19) VCF-style: chr5-41143043-A-C.
Other names: c.2689T>G, p.Cys897Gly (NM_001115131.4); short protein forms C897G.
Identifiers: ClinVar variation 1382540 (VCV001382540.6), dbSNP rs2150210466, ClinGen allele CA359592063.
Genomic context (GRCh38, chr5:41,142,941, plus strand): 5'-TAGTTCCCACTTCACAGATGTTCAATGTTTTCTCACTTGTTGATGATCCCATTTTGACAC[A>C]GTAGAGTTGGTTTCCACCCTTGAAGCACTGTGGGGGCAATAGGCAGACACATTTGGAAGT-3'
Protein context (NP_000056.2, residues 887-907): QCFKGGNQLY[Cys897Gly]VKMGSSTSEK

ClinVar aggregate classification (germline): Uncertain significance (1 of 4 stars; one submission).

Submission:

Labcorp Genetics (formerly Invitae), Labcorp
Classification: Uncertain significance. Last evaluated: 2022-08-23. Review status: criteria provided, single submitter. Criteria: Invitae Variant Classification Sherloc (09022015). Collection method: clinical testing. Allele origin: germline.
Comment: This sequence change replaces cysteine, which is neutral and slightly polar, with glycine, which is neutral and non-polar, at codon 897 of the C6 protein (p.Cys897Gly). This variant is not present in population databases (gnomAD no frequency). This variant has not been reported in the literature in individuals affected with C6-related conditions. ClinVar contains an entry for this variant (Variation ID: 1382540). Algorithms developed to predict the effect of missense changes on protein structure and function are either unavailable or do not agree on the potential impact of this missense change (SIFT: "Deleterious"; PolyPhen-2: "Probably Damaging"; Align-GVGD: "Class C0"). In summary, the available evidence is currently insufficient to determine the role of this variant in disease. Therefore, it has been classified as a Variant of Uncertain Significance.